The following is an entry in ClinVar:

NM_000051.4(ATM):c.3878A>T (p.Asn1293Ile)

Gene: ATM (ATM serine/threonine kinase; plus strand). Cytogenetic location: 11q22.3.
Variant type: single nucleotide variant.
Coding change: c.3878A>T on transcript NM_000051.4 (MANE Select); coding-DNA position 3878, A replaced by T.
Protein change: p.Asn1293Ile; replaces asparagine 1293 with isoleucine.
Molecular consequence: missense variant.
Genome position (GRCh38, 1-based): chr11:108,284,358, A>T. VCF-style: chr11-108284358-A-T. GRCh37 (hg19) VCF-style: chr11-108155085-A-T.
Other names: c.3878A>T, p.Asn1293Ile (NM_001351834.2); short protein forms N1293I.
Identifiers: ClinVar variation 4618095 (VCV004618095.1).

ClinVar aggregate classification (germline): Uncertain significance (1 of 4 stars; one submission).

Conditions:
Hereditary cancer-predisposing syndrome. Also called: Neoplastic Syndromes, Hereditary; Tumor predisposition; Hereditary Cancer Syndrome; Hereditary neoplastic syndrome. Identifiers: Orphanet 140162, MedGen C0027672, MeSH D009386, MONDO:0015356.

Submission:

Ambry Genetics
Classification: Uncertain significance for Hereditary cancer-predisposing syndrome. Last evaluated: 2025-10-30. Review status: criteria provided, single submitter. Criteria: Ambry Variant Classification Scheme 2023. Collection method: clinical testing. Allele origin: germline.
Comment: The p.N1293I variant (also known as c.3878A>T), located in coding exon 25 of the ATM gene, results from an A to T substitution at nucleotide position 3878. The asparagine at codon 1293 is replaced by isoleucine, an amino acid with dissimilar properties. Other variant(s) at the same codon, p.N1293S (c.3878A>G), have been identified in individual(s) with features consistent with ATM-related cancer predisposition (Ambry internal data). This amino acid position is well conserved in available vertebrate species. In addition, the in silico prediction for this alteration is inconclusive. Based on the available evidence, the clinical significance of this variant remains unclear.